The following is an entry in ClinVar:

NM_001005337.3(PKP1):c.*2737C>G

Gene: PKP1 (plakophilin 1; plus strand). Cytogenetic location: 1q32.1.
Variant type: single nucleotide variant.
Coding change: c.*2737C>G on transcript NM_001005337.3 (MANE Select); 2737 bases downstream of the stop codon, C replaced by G.
Molecular consequence: 3 prime UTR variant.
Genome position (GRCh38, 1-based): chr1:201,332,778, C>G. VCF-style: chr1-201332778-C-G. GRCh37 (hg19) VCF-style: chr1-201301906-C-G.
Other names: c.*2737C>G (NM_000299.4).
Identifiers: ClinVar variation 294887 (VCV000294887.6), dbSNP rs1046970, ClinGen allele CA10609406.

ClinVar aggregate classification (germline): Benign. Review status: criteria provided, multiple submitters, no conflicts (2 of 4 stars). 2 submissions from 2 submitters: Benign (2). Last evaluated 2018-01-13.

Conditions:
Epidermolysis bullosa simplex due to plakophilin deficiency. Also called: MCGRATH SYNDROME. Identifiers: Orphanet 158668, MedGen C1858302, MONDO:0011472, OMIM 604536.

Allele frequency attached by ClinVar (database versions not stated): gnomAD exomes 0.81081; TOPMed 0.83562; gnomAD 0.83729 and 0.84071; 1000 Genomes Project 30x 0.86399; 1000 Genomes Project 0.86422.
gnomAD v4.1: 127,802 of 152,252 alleles (84%); highest among the groups gnomAD compares: South Asian, 90%; 53,690 homozygotes.

Submissions (2):

Illumina Laboratory Services, Illumina
Classification: Benign for Epidermolysis bullosa simplex due to plakophilin deficiency. Last evaluated: 2018-01-13. Review status: criteria provided, single submitter. Criteria: ICSL Variant Classification Criteria 13 December 2019. Collection method: clinical testing. Allele origin: germline.
Comment: This variant was observed in the ICSL laboratory as part of a predisposition screen in an ostensibly healthy population. It had not been previously curated by ICSL or reported in the Human Gene Mutation Database (HGMD: prior to June 1st, 2018), and was therefore a candidate for classification through an automated scoring system. Utilizing variant allele frequency, disease prevalence and penetrance estimates, and inheritance mode, an automated score was calculated to assess if this variant is too frequent to cause the disease. Based on the score and internal cut-off values, a variant classified as benign is not then subjected to further curation. The score for this variant resulted in a classification of benign for this disease.

Breakthrough Genomics
Classification: Benign. Review status: criteria provided, single submitter. Criteria: ACMG Guidelines, 2015. Collection method: not provided. Allele origin: germline. Inheritance: Autosomal recessive inheritance. Affected: yes.